The following is an entry in ClinVar:

NM_003072.5(SMARCA4):c.2669dup (p.His890fs)

Gene: SMARCA4 (SWI/SNF related BAF chromatin remodeling complex subunit ATPase 4; plus strand). Cytogenetic location: 19p13.2.
Variant type: Duplication.
Coding change: c.2669dup on transcript NM_003072.5 (MANE Select); coding-DNA position 2669, one base duplicated (A; older notation c.2669dupA).
Protein change: p.His890fs; shifts the reading frame from histidine 890.
Molecular consequence: frameshift variant. On other transcripts: non-coding transcript variant (1).
Genome position (GRCh38, 1-based): chr19:11,021,777, A duplicated. VCF-style (leftmost placement, unchanged base first): chr19-11021776-C-CA. GRCh37 (hg19) VCF-style: chr19-11132452-C-CA.
Other names: c.2669dup, p.His890fs (NM_001128849.3, NM_001374457.1, NM_001387283.1 and 6 more transcripts); short protein forms H890fs.
Identifiers: ClinVar variation 3664107 (VCV003664107.2).
Genomic context (GRCh38, chr19:11,021,776, plus strand): 5'-GGCCCGCAGATCCGTTGGAAGTACATGATTGTGGACGAAGGTCACCGCATGAAGAACCAC[C>CA]ACTGCAAGCTGACGCAGGTGCTCAACACGCACTATGTGGCACCCCGCCGCCTGCTGCTGA-3'

ClinVar aggregate classification (germline): Pathogenic (1 of 4 stars; one submission).

Conditions:
Rhabdoid tumor predisposition syndrome 2 (RTPS2). Identifiers: Orphanet 231108, Orphanet 69077, MedGen C2750074, MONDO:0013224, OMIM 613325.

Submission:

Labcorp Genetics (formerly Invitae), Labcorp
Classification: Pathogenic for Rhabdoid tumor predisposition syndrome 2. Last evaluated: 2024-09-01. Review status: criteria provided, single submitter. Criteria: Invitae Variant Classification Sherloc (09022015). Collection method: clinical testing. Allele origin: germline.
Comment: This sequence change creates a premature translational stop signal (p.His890Glnfs*55) in the SMARCA4 gene. It is expected to result in an absent or disrupted protein product. Loss-of-function variants in SMARCA4 are known to be pathogenic (PMID: 24658001, 24658002). This variant is not present in population databases (gnomAD no frequency). This variant has not been reported in the literature in individuals affected with SMARCA4-related conditions. For these reasons, this variant has been classified as Pathogenic.

Literature cited by the submitters: PubMed 24658001; PubMed 24658002.